The following is an entry in ClinVar:

ClinVar aggregate classification (germline): Benign/Likely benign. Review status: criteria provided, multiple submitters, no conflicts (2 of 4 stars). 3 submissions from 3 submitters: Benign (1); Likely benign (2). Last evaluated 2024-10-02.

Conditions:
Hereditary cancer-predisposing syndrome. Also called: Hereditary Cancer Syndrome; Neoplastic Syndromes, Hereditary; Tumor predisposition; Hereditary neoplastic syndrome. Identifiers: Orphanet 140162, MedGen C0027672, MeSH D009386, MONDO:0015356.
Familial cancer of breast. Also called: BREAST CANCER, FAMILIAL; Hereditary breast cancer; hereditary breast carcinoma. Identifiers: Orphanet 227535, MedGen C0346153, MONDO:0016419, OMIM 114480. Disease mechanism: loss of function.

Allele frequency attached by ClinVar (database versions not stated): gnomAD exomes below 0.00001; ExAC 0.00001.
gnomAD v4.1: 2 of 1,614,146 alleles (0.00012%); highest among the groups gnomAD compares: Non-Finnish European, 0.00017%; no homozygotes.

Submissions (3):

Myriad Genetics, Inc.
Classification: Benign for Familial cancer of breast. Last evaluated: 2024-10-02. Review status: criteria provided, single submitter. Criteria: Myriad Autosomal Dominant, Autosomal Recessive and X-Linked Classification Criteria (2023). Collection method: clinical testing. Allele origin: unknown.
Comment: This variant is considered benign. This variant is a silent/synonymous amino acid change and it is not expected to impact splicing.

Labcorp Genetics (formerly Invitae), Labcorp
Classification: Likely benign for Familial cancer of breast. Last evaluated: 2024-02-01. Review status: criteria provided, single submitter. Criteria: Invitae Variant Classification Sherloc (09022015). Collection method: clinical testing. Allele origin: germline.

Ambry Genetics
Classification: Likely benign for Hereditary cancer-predisposing syndrome. Last evaluated: 2022-08-09. Review status: criteria provided, single submitter. Criteria: Ambry Variant Classification Scheme 2023. Collection method: clinical testing. Allele origin: germline.

NM_007194.4(CHEK2):c.498T>C (p.Asn166=)

Gene: CHEK2 (checkpoint kinase 2; minus strand). Cytogenetic location: 22q12.1.
Variant type: single nucleotide variant.
Coding change: c.498T>C on transcript NM_007194.4 (MANE Select); coding-DNA position 498, T replaced by C.
Protein change: p.Asn166=; no amino-acid change (asparagine 166 retained).
Molecular consequence: synonymous variant. On other transcripts: 5 prime UTR variant (2), intron variant (1).
Genome position (GRCh38, 1-based): chr22:28,725,071, A>G on the plus strand (T>C on the coding strand, the complement: CHEK2 is on the minus strand). VCF-style: chr22-28725071-A-G. GRCh37 (hg19) VCF-style: chr22-29121059-A-G.
Other names: c.627T>C, p.Asn209= (NM_001005735.3, NM_001438294.1); c.-280T>C (NM_001257387.3); c.-166T>C (NM_001437942.1); c.591T>C, p.Asn197= (NM_001438293.1, NM_001438295.1); c.498T>C, p.Asn166= (NM_145862.3); c.445-148T>C (NM_001349956.3).
Identifiers: ClinVar variation 1744592 (VCV001744592.8), dbSNP rs759868962, ClinGen allele CA10167986.
Genomic context (GRCh38, chr22:28,725,071, plus strand): 5'-ATTGTTATTCAAAGGACGGCGTTTTCCTTTCCCTACAAGCTCTGTATTTACAAAGGTTCC[A>G]TTGCCACTGTGATCTTCTATGTATGCAATGTAAGAGTTTTTAGGACCCACTTCCTAAAAT-3'
Protein context (NP_009125.1, residues 156-176): YIAYIEDHSG[Asn166=]GTFVNTELVG